The following is an entry in ClinVar:

NM_001377.3(DYNC2H1):c.11681C>G (p.Ser3894Ter)

Gene: DYNC2H1 (dynein cytoplasmic 2 heavy chain 1; plus strand). Cytogenetic location: 11q22.3.
Variant type: single nucleotide variant.
Coding change: c.11681C>G on transcript NM_001377.3 (MANE Select); coding-DNA position 11681, C replaced by G.
Protein change: p.Ser3894Ter; replaces serine 3894 with a stop codon.
Molecular consequence: nonsense.
Genome position (GRCh38, 1-based): chr11:103,316,576, C>G. VCF-style: chr11-103316576-C-G. GRCh37 (hg19) VCF-style: chr11-103187305-C-G.
Other names: c.11702C>G, p.Ser3901Ter (NM_001080463.2); short protein forms S3901*, S3894*.
Identifiers: ClinVar variation 198946 (VCV000198946.7), dbSNP rs776315442, ClinGen allele CA210632.
Genomic context (GRCh38, chr11:103,316,576, plus strand): 5'-GTTTACTTAAAAAAATTGTTTTTTGACAGGGTTGGACAAAGTTTTATGAATTTTCTTTAT[C>G]AGATCTTCGGGCTGGGTACAACATTATTGACAGACTTTTTGATGGTAAGTTCTAACAAAA-3'

ClinVar aggregate classification (germline): Pathogenic. Review status: criteria provided, multiple submitters, no conflicts (2 of 4 stars). 2 submissions from 2 submitters: Pathogenic (2). Last evaluated 2024-02-06.

Conditions:
Jeune thoracic dystrophy. Also called: Short-rib thoracic dysplasia; Jeune syndrome; Infantile thoracic dystrophy; Thoracic pelvic phalangeal dystrophy; Jeune's syndrome; Chondroectodermal dysplasia-like syndrome. Identifiers: Orphanet 474, MedGen C0265275, MONDO:0018770.

Allele frequency attached by ClinVar (database versions not stated): gnomAD exomes 0.00001 and 0.00002; ExAC 0.00007.
gnomAD v4.1: 9 of 1,560,556 alleles (0.00058%); highest among the groups gnomAD compares: South Asian, 0.011%; no homozygotes.

Submissions (2):

Labcorp Genetics (formerly Invitae), Labcorp
Classification: Pathogenic for Jeune thoracic dystrophy. Last evaluated: 2024-02-06. Review status: criteria provided, single submitter. Criteria: Invitae Variant Classification Sherloc (09022015). Collection method: clinical testing. Allele origin: germline.
Comment: This sequence change creates a premature translational stop signal (p.Ser3901*) in the DYNC2H1 gene. It is expected to result in an absent or disrupted protein product. Loss-of-function variants in DYNC2H1 are known to be pathogenic (PMID: 23339108, 32753734, 33755199). The frequency data for this variant in the population databases is considered unreliable, as metrics indicate poor data quality at this position in the gnomAD database. This variant has not been reported in the literature in individuals affected with DYNC2H1-related conditions. ClinVar contains an entry for this variant (Variation ID: 198946). For these reasons, this variant has been classified as Pathogenic.

Eurofins Ntd Llc (ga)
Classification: Pathogenic. Last evaluated: 2014-05-21. Review status: criteria provided, single submitter. Criteria: EGL Classification Definitions 2015. Collection method: clinical testing. Allele origin: germline. Observed: 1 variant allele, 1 heterozygote.

Literature cited by the submitters: PubMed 23339108 (cited by Labcorp Genetics (formerly Invitae), Labcorp); PubMed 32753734 (cited by Labcorp Genetics (formerly Invitae), Labcorp); PubMed 33755199 (cited by Labcorp Genetics (formerly Invitae), Labcorp).